The following is an entry in ClinVar:

NM_032520.5(GNPTG):c.741+5C>T

Gene: GNPTG (N-acetylglucosamine-1-phosphate transferase subunit gamma; plus strand). Cytogenetic location: 16p13.3.
Variant type: single nucleotide variant.
Coding change: c.741+5C>T on transcript NM_032520.5 (MANE Select); 5 bases into the intron after coding-DNA position 741, C replaced by T.
Molecular consequence: intron variant.
Genome position (GRCh38, 1-based): chr16:1,362,747, C>T. VCF-style: chr16-1362747-C-T. GRCh37 (hg19) VCF-style: chr16-1412748-C-T.
Identifiers: ClinVar variation 317890 (VCV000317890.69), dbSNP rs201263537, ClinGen allele CA7807902.

ClinVar aggregate classification (germline): Conflicting classifications of pathogenicity. Review status: criteria provided, conflicting classifications (1 of 4 stars). 10 submissions from 10 submitters: Uncertain significance (3); Likely benign (4). 3 of the submissions do not count toward it. Last evaluated 2026-06-29.

Conditions:
GNPTG-related disorder. Also called: GNPTG-related condition.
GNPTG-mucolipidosis. Also called: Mucolipidosis type III gamma; ML III GAMMA; ML IIIC; MUCOLIPIDOSIS III, COMPLEMENTATION GROUP C; MUCOLIPIDOSIS III, IRANIAN VARIANT FORM; MUCOLIPIDOSIS III, VARIANT FORM. Identifiers: Orphanet 423470, Orphanet 577, MedGen C1854896, MONDO:0009652, OMIM 252605.

Allele frequency attached by ClinVar (database versions not stated): 1000 Genomes Project 0.00040; 1000 Genomes Project 30x 0.00047; ESP Exome Variant Server 0.00138; gnomAD 0.00181 and 0.00183; TOPMed 0.00185.
gnomAD v4.1: 3,104 of 1,614,014 alleles (0.19%); highest among the groups gnomAD compares: Admixed American, 0.25%; 5 homozygotes.

Submissions (10):

PreventionGenetics, part of Exact Sciences
Classification: Likely benign for GNPTG-related condition. Last evaluated: 2026-06-29. Review status: criteria provided, single submitter. Criteria: ACMG Guidelines, 2015. Collection method: clinical testing. Allele origin: germline.
Comment: This variant is classified as likely benign based on ACMG/AMP sequence variant interpretation guidelines (Richards et al. 2015 PMID: 25741868, with internal and published modifications).

Labcorp Genetics (formerly Invitae), Labcorp
Classification: Likely benign. Last evaluated: 2026-02-02. Review status: criteria provided, single submitter. Criteria: Invitae Variant Classification Sherloc (09022015). Collection method: clinical testing. Allele origin: germline.

Blueprint Genetics
Classification: Likely benign. Last evaluated: 2024-10-31. Review status: criteria provided, single submitter. Criteria: ACMG Guidelines, 2015. Collection method: clinical testing. Allele origin: germline.

Genome-Nilou Lab
Classification: Likely benign for GNPTG-mucolipidosis. Last evaluated: 2021-11-07. Review status: criteria provided, single submitter. Criteria: ACMG Guidelines, 2015. Collection method: clinical testing. Allele origin: germline. Affected: no.

Mayo Clinic Laboratories, Mayo Clinic
Classification: Uncertain significance. Last evaluated: 2019-05-21. Review status: criteria provided, single submitter. Criteria: ACMG Guidelines, 2015. Collection method: clinical testing. Allele origin: germline. Observed: 1 variant allele.

Illumina Laboratory Services, Illumina
Classification: Uncertain significance for GNPTG-mucolipidosis. Last evaluated: 2018-01-13. Review status: criteria provided, single submitter. Criteria: ICSL Variant Classification Criteria 13 December 2019. Collection method: clinical testing. Allele origin: germline.

CeGaT Center for Human Genetics Tuebingen
Classification: Uncertain significance. Last evaluated: 2017-05-01. Review status: criteria provided, single submitter. Criteria: CeGaT Center For Human Genetics Tuebingen Variant Classification Criteria Version 2. Collection method: clinical testing. Allele origin: germline. Affected: yes. Observed: 1 variant allele.

Natera, Inc.
Classification: Benign for Mucolipidosis III gamma. Last evaluated: 2019-10-28. Review status: no assertion criteria provided. Collection method: clinical testing. Allele origin: germline. Not counted in ClinVar's aggregate classification.

Clinical Genetics DNA and cytogenetics Diagnostics Lab, Erasmus MC, Erasmus Medical Center
Classification: Likely benign. Review status: no assertion criteria provided. Collection method: clinical testing. Allele origin: germline. Affected: yes. Study: VKGL Data-share Consensus. Not counted in ClinVar's aggregate classification.

Clinical Genetics, Academic Medical Center
Classification: Likely benign. Review status: no assertion criteria provided. Collection method: clinical testing. Allele origin: germline. Affected: yes. Study: VKGL Data-share Consensus. Not counted in ClinVar's aggregate classification.